The following is an entry in ClinVar:

ClinVar aggregate classification (germline): Benign/Likely benign. Review status: criteria provided, multiple submitters, no conflicts (2 of 4 stars). 3 submissions from 3 submitters: Benign (1); Likely benign (1). 1 of the submissions does not count toward it. Last evaluated 2024-12-02.

Conditions:
KIF11-related disorder. Also called: KIF11-related condition.

Allele frequency attached by ClinVar (database versions not stated): TOPMed 0.00004; ESP Exome Variant Server 0.00008; gnomAD exomes 0.00010 and 0.00025; gnomAD 0.00015 and 0.00016; ExAC 0.00019; 1000 Genomes Project 30x 0.00031; 1000 Genomes Project 0.00040.
gnomAD v4.1: 165 of 1,611,040 alleles (0.01%); highest among the groups gnomAD compares: African/African-American, 0.004%; 1 homozygote.

Submissions (3):

Labcorp Genetics (formerly Invitae), Labcorp
Classification: Benign. Last evaluated: 2024-12-02. Review status: criteria provided, single submitter. Criteria: Invitae Variant Classification Sherloc (09022015). Collection method: clinical testing. Allele origin: germline.

Blueprint Genetics
Classification: Likely benign. Last evaluated: 2024-09-26. Review status: criteria provided, single submitter. Criteria: ACMG Guidelines, 2015. Collection method: clinical testing. Allele origin: germline.

PreventionGenetics, part of Exact Sciences
Classification: Likely benign for KIF11-related condition. Last evaluated: 2021-05-26. Review status: no assertion criteria provided. Collection method: clinical testing. Allele origin: germline. Not counted in ClinVar's aggregate classification.
Comment: This variant is classified as likely benign based on ACMG/AMP sequence variant interpretation guidelines (Richards et al. 2015 PMID: 25741868, with internal and published modifications).

NM_004523.4(KIF11):c.3016A>G (p.Ile1006Val)

Gene: KIF11 (kinesin family member 11; plus strand). Cytogenetic location: 10q23.33.
Variant type: single nucleotide variant.
Coding change: c.3016A>G on transcript NM_004523.4 (MANE Select); coding-DNA position 3016, A replaced by G.
Protein change: p.Ile1006Val; replaces isoleucine 1006 with valine.
Molecular consequence: missense variant.
Genome position (GRCh38, 1-based): chr10:92,650,494, A>G. VCF-style: chr10-92650494-A-G. GRCh37 (hg19) VCF-style: chr10-94410251-A-G.
Other names: c.3016A>G (NM_004523.3); short protein forms I1006V.
Identifiers: ClinVar variation 1599740 (VCV001599740.11), dbSNP rs187743871, ClinGen allele CA5604520.